The following is an entry in ClinVar:

NM_031471.6(FERMT3):c.1030G>T (p.Asp344Tyr)

Gene: FERMT3 (FERM domain containing kindlin 3; plus strand). Cytogenetic location: 11q13.1.
Variant type: single nucleotide variant.
Coding change: c.1030G>T on transcript NM_031471.6 (MANE Select); coding-DNA position 1030, G replaced by T.
Protein change: p.Asp344Tyr; replaces aspartic acid 344 with tyrosine.
Molecular consequence: missense variant.
Genome position (GRCh38, 1-based): chr11:64,219,740, G>T. VCF-style: chr11-64219740-G-T. GRCh37 (hg19) VCF-style: chr11-63987212-G-T.
Other names: c.1030G>T, p.Asp344Tyr (NM_001382361.1, NM_001382362.1, NM_001382448.1 and 1 more transcripts); c.490G>T, p.Asp164Tyr (NM_001382363.1, NM_001382364.1); short protein forms D164Y, D344Y.
Identifiers: ClinVar variation 1037934 (VCV001037934.8), dbSNP rs1946632820, ClinGen allele CA381085688.

ClinVar aggregate classification (germline): Uncertain significance (1 of 4 stars; one submission).

Conditions:
Leukocyte adhesion deficiency 3. Also called: INTEGRIN ACTIVATION DEFICIENCY DISEASE; LEUKOCYTE ADHESION DEFICIENCY 1 VARIANT; Leukocyte adhesion deficiency, type III. Identifiers: Orphanet 2968, Orphanet 99844, MedGen C2748536, MONDO:0013016, OMIM 612840.

Submission:

Labcorp Genetics (formerly Invitae), Labcorp
Classification: Uncertain significance for Leukocyte adhesion deficiency 3. Last evaluated: 2023-05-15. Review status: criteria provided, single submitter. Criteria: Invitae Variant Classification Sherloc (09022015). Collection method: clinical testing. Allele origin: germline.
Comment: In summary, the available evidence is currently insufficient to determine the role of this variant in disease. Therefore, it has been classified as a Variant of Uncertain Significance. An algorithm developed to predict the effect of missense changes on protein structure and function (PolyPhen-2) suggests that this variant is likely to be disruptive. ClinVar contains an entry for this variant (Variation ID: 1037934). This variant has not been reported in the literature in individuals affected with FERMT3-related conditions. This variant is not present in population databases (gnomAD no frequency). This sequence change replaces aspartic acid, which is acidic and polar, with tyrosine, which is neutral and polar, at codon 344 of the FERMT3 protein (p.Asp344Tyr).